The following is an entry in ClinVar:

NM_001378414.1(HDAC4):c.2124A>G (p.Gly708=)

Gene: HDAC4 (histone deacetylase 4; minus strand). Cytogenetic location: 2q37.3.
Variant type: single nucleotide variant.
Coding change: c.2124A>G on transcript NM_001378414.1 (MANE Select); coding-DNA position 2124, A replaced by G.
Protein change: p.Gly708=; no amino-acid change (glycine 708 retained).
Molecular consequence: synonymous variant.
Genome position (GRCh38, 1-based): chr2:239,102,885, T>C on the plus strand (A>G on the coding strand, the complement: HDAC4 is on the minus strand). VCF-style: chr2-239102885-T-C. GRCh37 (hg19) VCF-style: chr2-240024581-T-C.
Other names: c.2124A>G, p.Gly708= (NM_001378415.1); c.2109A>G, p.Gly703= (NM_001378416.1, NM_001378417.1, NM_001435996.1 and 1 more transcripts); c.2043A>G, p.Gly681= (NM_001435991.1, NM_001435992.1, NM_001435994.1); c.1965A>G, p.Gly655= (NM_001435993.1); c.2028A>G, p.Gly676= (NM_001435998.1).
Identifiers: ClinVar variation 5041707 (VCV005041707.1).

ClinVar aggregate classification (germline): Likely benign (1 of 4 stars; one submission).

gnomAD v4.1: 3 of 1,613,860 alleles (0.00019%); no homozygotes.

Submission:

CeGaT Center for Human Genetics Tuebingen
Classification: Likely benign. Last evaluated: 2026-09-01. Review status: criteria provided, single submitter. Criteria: CeGaT Center For Human Genetics Tuebingen Variant Classification Criteria Version 2. Collection method: clinical testing. Allele origin: germline. Affected: yes. Observed: 1 variant allele.
Comment: HDAC4: BP4, BP7